The following is an entry in ClinVar:

NM_005228.5(EGFR):c.2267A>G (p.Asn756Ser)

Gene: EGFR (epidermal growth factor receptor; plus strand). Cytogenetic location: 7p11.2.
Variant type: single nucleotide variant.
Coding change: c.2267A>G on transcript NM_005228.5 (MANE Select); coding-DNA position 2267, A replaced by G.
Protein change: p.Asn756Ser; replaces asparagine 756 with serine.
Molecular consequence: missense variant.
Genome position (GRCh38, 1-based): chr7:55,174,804, A>G. VCF-style: chr7-55174804-A-G. GRCh37 (hg19) VCF-style: chr7-55242497-A-G.
Other names: c.2132A>G, p.Asn711Ser (NM_001346897.2, NM_001346899.2); c.2267A>G, p.Asn756Ser (NM_001346898.2); c.2267A>G (NM_005228.3); c.2108A>G, p.Asn703Ser (NM_001346900.2); c.1466A>G, p.Asn489Ser (NM_001346941.2); short protein forms N489S, N703S, N711S, N756S.
Identifiers: ClinVar variation 1018921 (VCV001018921.10), dbSNP rs1786526259, ClinGen allele CA367584208.

ClinVar aggregate classification (germline): Uncertain significance. Review status: criteria provided, multiple submitters, no conflicts (2 of 4 stars). 2 submissions from 2 submitters: Uncertain significance (2). Last evaluated 2026-07-29.

Conditions:
EGFR-related lung cancer (EGFR). Identifiers: MedGen CN130014.
Hereditary cancer-predisposing syndrome. Also called: Tumor predisposition; Hereditary Cancer Syndrome; Hereditary neoplastic syndrome; Neoplastic Syndromes, Hereditary. Identifiers: Orphanet 140162, MedGen C0027672, MeSH D009386, MONDO:0015356.

Allele frequency attached by ClinVar (database versions not stated): gnomAD exomes 0.00001.
gnomAD v4.1: 8 of 1,614,072 alleles (0.0005%); highest among the groups gnomAD compares: Non-Finnish European, 0.00068%; no homozygotes.

Submissions (2):

Ambry Genetics
Classification: Uncertain significance for Hereditary cancer-predisposing syndrome. Last evaluated: 2026-07-29. Review status: criteria provided, single submitter. Criteria: Ambry Variant Classification Scheme 2023. Collection method: clinical testing. Allele origin: germline.
Comment: The p.N756S variant (also known as c.2267A>G), located in coding exon 19 of the EGFR gene, results from an A to G substitution at nucleotide position 2267. The asparagine at codon 756 is replaced by serine, an amino acid with highly similar properties. This amino acid position is highly conserved in available vertebrate species. In addition, this alteration is predicted to be tolerated by in silico analysis. Based on the available evidence, the clinical significance of this variant remains unclear.

Labcorp Genetics (formerly Invitae), Labcorp
Classification: Uncertain significance for EGFR-related lung cancer. Last evaluated: 2024-04-07. Review status: criteria provided, single submitter. Criteria: Invitae Variant Classification Sherloc (09022015). Collection method: clinical testing. Allele origin: germline.
Comment: This sequence change replaces asparagine, which is neutral and polar, with serine, which is neutral and polar, at codon 756 of the EGFR protein (p.Asn756Ser). This variant is not present in population databases (gnomAD no frequency). This variant has not been reported in the literature in individuals affected with EGFR-related conditions. ClinVar contains an entry for this variant (Variation ID: 1018921). Advanced modeling of protein sequence and biophysical properties (such as structural, functional, and spatial information, amino acid conservation, physicochemical variation, residue mobility, and thermodynamic stability) performed at Invitae indicates that this missense variant is not expected to disrupt EGFR protein function with a negative predictive value of 80%. In summary, the available evidence is currently insufficient to determine the role of this variant in disease. Therefore, it has been classified as a Variant of Uncertain Significance.